The following is an entry in ClinVar:

ClinVar aggregate classification (germline): Pathogenic/Likely pathogenic. Review status: criteria provided, multiple submitters, no conflicts (2 of 4 stars). 11 submissions from 11 submitters: Pathogenic (6); Likely pathogenic (4). 1 of the submissions does not count toward it. Last evaluated 2026-01-07.

Conditions:
SPG11-related disorder. Also called: SPG11-related condition.
Charcot-Marie-Tooth disease axonal type 2X. Also called: CHARCOT-MARIE-TOOTH DISEASE, AXONAL, AUTOSOMAL RECESSIVE, TYPE 2X; CHARCOT-MARIE-TOOTH NEUROPATHY, TYPE 2X. Identifiers: Orphanet 466775, MedGen C5569024, MONDO:0014726, OMIM 616668.
Hereditary spastic paraplegia 11. Also called: SPASTIC PARAPLEGIA, AUTOSOMAL RECESSIVE, COMPLICATED, WITH THIN CORPUS CALLOSUM; SPASTIC PARAPLEGIA, AUTOSOMAL RECESSIVE, WITH MENTAL IMPAIRMENT AND THIN CORPUS CALLOSUM; Spastic Paraplegia 11; Spastic paraplegia, mental retardation and thin corpus callosum; Nakamura Osame syndrome; Autosomal recessive hereditary spastic paraplegia, mental impairment, and thin corpus callosum. Identifiers: Orphanet 2822, MedGen C1858479, MONDO:0011445, OMIM 604360.
Amyotrophic lateral sclerosis type 5 (ALS5). Also called: AMYOTROPHIC LATERAL SCLEROSIS 5, JUVENILE. Identifiers: Orphanet 300605, MedGen C1865864, MONDO:0011196, OMIM 602099.
Inborn genetic diseases. Identifiers: MedGen C0950123, MeSH D030342.

Allele frequency attached by ClinVar (database versions not stated): ExAC 0.00001; gnomAD exomes 0.00002 and 0.00005; TOPMed 0.00002; gnomAD 0.00003.
gnomAD v4.1: 72 of 1,610,356 alleles (0.0045%); highest among the groups gnomAD compares: Non-Finnish European, 0.0061%; no homozygotes.

Submissions (11):

Variantyx, Inc.
Classification: Likely pathogenic for Hereditary spastic paraplegia 11. Last evaluated: 2026-01-07. Review status: criteria provided, single submitter. Criteria: Variantyx Assertion Criteria 2022. Collection method: clinical testing. Allele origin: germline. Inheritance: Autosomal recessive inheritance. Affected: yes.
Comment: This is a canonical splicing variant in the SPG11 gene (OMIM: 610844). Pathogenic variants in this gene have been associated with autosomal recessive spastic paraplegia 11. This splicing variant is expected to result in loss of function, which is a known disease mechanism for SPG11 in this disorder (PMID: 19105190, 20110243, 22154821, 26556829) (PVS1). The alteration has been reported in the compound heterozygous state in at least one affected individual (PMID:18717728). It has a 0.0061% maximum allele frequency in non-founder control populations (PM2). Based on the current evidence, this variant is classified as likely pathogenic for autosomal recessive spastic paraplegia 11.

Ambry Genetics
Classification: Pathogenic for Inborn genetic diseases. Last evaluated: 2025-07-15. Review status: criteria provided, single submitter. Criteria: Ambry Variant Classification Scheme 2023. Collection method: clinical testing. Allele origin: germline.
Comment: The c.2834+1G>T intronic variant results from a G to T substitution one nucleotide after coding exon 15 of the SPG11 gene. Alterations that disrupt the canonical splice site are expected to cause aberrant splicing, resulting in an abnormal protein or a transcript that is subject to nonsense-mediated mRNA decay. Based on data from gnomAD, the T allele has an overall frequency of 0.002% (5/251182) total alleles studied. The highest observed frequency was 0.004% (5/113594) of European (non-Finnish) alleles. This variant has been identified in conjunction with other SPG11 variants in individuals with features consistent with SPG11-related spastic paraplegia; in at least one instance, the variants were identified in trans (Paisan-Ruiz, 2008; external communication). This nucleotide position is highly conserved in available vertebrate species. In silico splice site analysis predicts that this alteration will weaken the native splice donor site. Based on the available evidence, this alteration is classified as pathogenic.

Labcorp Genetics (formerly Invitae), Labcorp
Classification: Pathogenic for Hereditary spastic paraplegia 11. Last evaluated: 2025-05-05. Review status: criteria provided, single submitter. Criteria: Invitae Variant Classification Sherloc (09022015). Collection method: clinical testing. Allele origin: germline.
Comment: This sequence change affects a donor splice site in intron 15 of the SPG11 gene. It is expected to disrupt RNA splicing. Variants that disrupt the donor or acceptor splice site typically lead to a loss of protein function (PMID: 16199547), and loss-of-function variants in SPG11 are known to be pathogenic (PMID: 19105190, 20110243, 22154821, 26556829). This variant is present in population databases (rs312262749, gnomAD 0.004%). Disruption of this splice site has been observed in individuals with hereditary spastic paraplegia (PMID: 18717728; internal data). ClinVar contains an entry for this variant (Variation ID: 41299). Algorithms developed to predict the effect of sequence changes on RNA splicing suggest that this variant may disrupt the consensus splice site. For these reasons, this variant has been classified as Pathogenic.

GeneDx
Classification: Pathogenic. Last evaluated: 2024-10-28. Review status: criteria provided, single submitter. Criteria: GeneDx Variant Classification Process June 2021. Collection method: clinical testing. Allele origin: germline. Affected: yes.
Comment: Canonical splice site variant predicted to result in a null allele in a gene for which loss of function is a known mechanism of disease; Not observed at significant frequency in large population cohorts (gnomAD); This variant is associated with the following publications: (PMID: 20301389, 19105190, 27217339, 22154821, 26556829, 20110243, 18717728, 34983064)

Blueprint Genetics
Classification: Likely pathogenic for SPG11-related disorders. Last evaluated: 2024-08-21. Review status: criteria provided, single submitter. Criteria: ACMG Guidelines, 2015. Collection method: clinical testing. Allele origin: germline. Affected: yes. Observed: 2 variant alleles.

CeGaT Center for Human Genetics Tuebingen
Classification: Pathogenic. Last evaluated: 2024-07-01. Review status: criteria provided, single submitter. Criteria: CeGaT Center For Human Genetics Tuebingen Variant Classification Criteria Version 2. Collection method: clinical testing. Allele origin: germline. Affected: yes. Observed: 2 variant alleles.
Comment: SPG11: PVS1, PM3:Strong, PM2

Fulgent Genetics
Classification: Likely pathogenic for Amyotrophic lateral sclerosis type 5; Hereditary spastic paraplegia 11; Charcot-Marie-Tooth disease axonal type 2X. Last evaluated: 2024-06-22. Review status: criteria provided, single submitter. Criteria: ACMG Guidelines, 2015. Collection method: clinical testing. Allele origin: germline.

Baylor Genetics
Classification: Pathogenic for Amyotrophic lateral sclerosis type 5. Last evaluated: 2023-11-20. Review status: criteria provided, single submitter. Criteria: ACMG Guidelines, 2015. Collection method: clinical testing. Allele origin: unknown.

Genome-Nilou Lab
Classification: Likely pathogenic for Hereditary spastic paraplegia 11. Review status: criteria provided, single submitter. Criteria: ACMG Guidelines, 2015. Collection method: clinical testing. Allele origin: germline.

Paris Brain Institute, Inserm - ICM
Classification: Pathogenic for Hereditary spastic paraplegia 11. Review status: criteria provided, single submitter. Criteria: ACMG Guidelines, 2015. Collection method: clinical testing. Allele origin: unknown. Affected: yes. Observed: 1 variant allele.

GeneReviews
No classification provided. Condition: Hereditary spastic paraplegia 11. Review status: no classification provided. Collection method: literature only. Allele origin: unknown. Not counted in ClinVar's aggregate classification.

Literature cited by the submitters: PubMed 19105190 (cited by Variantyx, Inc. and Labcorp Genetics (formerly Invitae), Labcorp); PubMed 20110243 (cited by Variantyx, Inc. and Labcorp Genetics (formerly Invitae), Labcorp); PubMed 22154821 (cited by Variantyx, Inc. and Labcorp Genetics (formerly Invitae), Labcorp); PubMed 26556829 (cited by Variantyx, Inc. and Labcorp Genetics (formerly Invitae), Labcorp); PubMed 18717728 (cited by 3 submitters); PubMed 16199547 (cited by Labcorp Genetics (formerly Invitae), Labcorp); PubMed 20301389 (cited by GeneReviews); NCBI Bookshelf NBK1210 (cited by GeneReviews).

NM_025137.4(SPG11):c.2834+1G>T

Gene: SPG11 (SPG11 vesicle trafficking associated, spatacsin; minus strand). Cytogenetic location: 15q21.1.
Variant type: single nucleotide variant.
Coding change: c.2834+1G>T on transcript NM_025137.4 (MANE Select); the canonical splice donor site of the intron after coding-DNA position 2834, G replaced by T.
Molecular consequence: splice donor variant.
Genome position (GRCh38, 1-based): chr15:44,620,189, C>A on the plus strand (G>T on the coding strand, the complement: SPG11 is on the minus strand). VCF-style: chr15-44620189-C-A. GRCh37 (hg19) VCF-style: chr15-44912387-C-A.
Other names: c.2834+1G>T (NM_001411132.1, NM_001160227.2).
Identifiers: ClinVar variation 41299 (VCV000041299.43), dbSNP rs312262749, ClinGen allele CA344329.